The following is an entry in ClinVar:

ClinVar aggregate classification (germline): Uncertain significance (1 of 4 stars; one submission).

Conditions:
SIK3-related disorder. Also called: SIK3-related condition.

Allele frequency attached by ClinVar (database versions not stated): TOPMed below 0.00001.

Submission:

PreventionGenetics, part of Exact Sciences
Classification: Uncertain significance for SIK3-related condition. Last evaluated: 2023-09-03. Review status: criteria provided, single submitter. Criteria: ACMG Guidelines, 2015. Collection method: clinical testing. Allele origin: germline.
Comment: The SIK3 c.2068C>A variant is predicted to result in the amino acid substitution p.Leu690Ile. To our knowledge, this variant has not been reported in the literature or in a large population database, indicating this variant is rare. At this time, the clinical significance of this variant is uncertain due to the absence of conclusive functional and genetic evidence.

NM_001366686.3(SIK3):c.2212C>A (p.Leu738Ile)

Gene: SIK3 (SIK family kinase 3; minus strand). Cytogenetic location: 11q23.3.
Variant type: single nucleotide variant.
Coding change: c.2212C>A on transcript NM_001366686.3 (MANE Select); coding-DNA position 2212, C replaced by A.
Protein change: p.Leu738Ile; replaces leucine 738 with isoleucine.
Molecular consequence: missense variant.
Genome position (GRCh38, 1-based): chr11:116,862,219, G>T on the plus strand (C>A on the coding strand, the complement: SIK3 is on the minus strand). VCF-style: chr11-116862219-G-T. GRCh37 (hg19) VCF-style: chr11-116732935-G-T.
Other names: c.1591C>A, p.Leu531Ile (NM_001281748.3); c.2068C>A, p.Leu690Ile (NM_001281749.3, NM_025164.6); short protein forms L531I, L690I, L738I.
Identifiers: ClinVar variation 2630301 (VCV002630301.1), dbSNP rs1373371959, ClinGen allele CA382695519.
Genomic context (GRCh38, chr11:116,862,219, plus strand): 5'-CAAACTCCAAACAAGTTGGAGAAAGCAAAGAGTGAGGGCCTACTTGAATTTGTTGCTGGA[G>T]AATTTGATGGTGCTGCTCCTGCTGGTATAACATATGCTGCTGCTGGGTCTTCTCCAGGGT-3'
Protein context (NP_001353615.1, residues 728-748): LYQQEQHHQI[Leu738Ile]QQQIQDSICP